The following is an entry in ClinVar:

ClinVar aggregate classification (germline): Uncertain significance. Review status: criteria provided, multiple submitters, no conflicts (2 of 4 stars). 2 submissions from 2 submitters: Uncertain significance (2). Last evaluated 2025-08-06.

Conditions:
Inborn genetic diseases. Identifiers: MedGen C0950123, MeSH D030342.

Allele frequency attached by ClinVar (database versions not stated): ExAC 0.00001; gnomAD 0.00001; gnomAD exomes 0.00001; TOPMed 0.00003.
gnomAD v4.1: 13 of 1,613,492 alleles (0.00081%); highest among the groups gnomAD compares: Middle Eastern, 0.016%; no homozygotes.

Submissions (2):

Ambry Genetics
Classification: Uncertain significance for Inborn genetic diseases. Last evaluated: 2025-08-06. Review status: criteria provided, single submitter. Criteria: Ambry Variant Classification Scheme 2023. Collection method: clinical testing. Allele origin: germline.

Labcorp Genetics (formerly Invitae), Labcorp
Classification: Uncertain significance. Last evaluated: 2022-06-24. Review status: criteria provided, single submitter. Criteria: Invitae Variant Classification Sherloc (09022015). Collection method: clinical testing. Allele origin: germline.
Comment: This sequence change replaces asparagine, which is neutral and polar, with aspartic acid, which is acidic and polar, at codon 88 of the CANT1 protein (p.Asn88Asp). This variant is present in population databases (rs749661486, gnomAD 0.002%). This variant has not been reported in the literature in individuals affected with CANT1-related conditions. Algorithms developed to predict the effect of missense changes on protein structure and function are either unavailable or do not agree on the potential impact of this missense change (SIFT: "Tolerated"; PolyPhen-2: "Possibly Damaging"; Align-GVGD: "Class C0"). Algorithms developed to predict the effect of sequence changes on RNA splicing suggest that this variant may disrupt the consensus splice site. In summary, the available evidence is currently insufficient to determine the role of this variant in disease. Therefore, it has been classified as a Variant of Uncertain Significance.

NM_001159773.2(CANT1):c.262A>G (p.Asn88Asp)

Gene: CANT1 (calcium activated nucleotidase 1; minus strand). Cytogenetic location: 17q25.3.
Variant type: single nucleotide variant.
Coding change: c.262A>G on transcript NM_001159773.2 (MANE Select); coding-DNA position 262, A replaced by G.
Protein change: p.Asn88Asp; replaces asparagine 88 with aspartic acid.
Molecular consequence: missense variant.
Genome position (GRCh38, 1-based): chr17:78,997,361, T>C on the plus strand (A>G on the coding strand, the complement: CANT1 is on the minus strand). VCF-style: chr17-78997361-T-C. GRCh37 (hg19) VCF-style: chr17-76993443-T-C.
Other names: c.262A>G, p.Asn88Asp (NM_001159772.2, NM_138793.4); c.262A>G (NM_138793.3); short protein forms N88D.
Identifiers: ClinVar variation 1895812 (VCV001895812.3), dbSNP rs749661486, ClinGen allele CA8808775.
Genomic context (GRCh38, chr17:78,997,361, plus strand): 5'-CGATTCGATACCGAATCCCAGCCGGTGTCCTTTGTGGGGGAGACAGGGGGTAGGTGTCAT[T>C]GTACCAGTTGGCGGGCGCCTGGCCGAGCCTCCAGTTGTGTGCATTGTGGGTGGGGGGCCT-3'
Protein context (NP_001153245.1, residues 78-98): RLGQAPANWY[Asn88Asp]DTYPLSPPQR